The following is an entry in ClinVar:

ClinVar aggregate classification (germline): Benign (1 of 4 stars; one submission).

Allele frequency attached by ClinVar (database versions not stated): 1000 Genomes Project 30x 0.00187; 1000 Genomes Project 0.00200; TOPMed 0.00599; ExAC 0.00696; ESP Exome Variant Server 0.00846; gnomAD exomes 0.01038.
gnomAD v4.1: 16,272 of 1,613,962 alleles (1%); highest among the groups gnomAD compares: Non-Finnish European, 1.2%; 130 homozygotes.

Submission:

CeGaT Center for Human Genetics Tuebingen
Classification: Benign. Last evaluated: 2023-01-01. Review status: criteria provided, single submitter. Criteria: CeGaT Center For Human Genetics Tuebingen Variant Classification Criteria Version 2. Collection method: clinical testing. Allele origin: germline. Affected: yes. Observed: 1 variant allele.
Comment: FOXN3: BP4, BP7, BS1, BS2

NM_005197.4(FOXN3):c.1164G>T (p.Gly388=)

Gene: FOXN3 (forkhead box N3; minus strand). Cytogenetic location: 14q31.3.
Variant type: single nucleotide variant.
Coding change: c.1164G>T on transcript NM_005197.4 (MANE Select); coding-DNA position 1164, G replaced by T.
Protein change: p.Gly388=; no amino-acid change (glycine 388 retained).
Molecular consequence: synonymous variant.
Genome position (GRCh38, 1-based): chr14:89,162,657, C>A on the plus strand (G>T on the coding strand, the complement: FOXN3 is on the minus strand). VCF-style: chr14-89162657-C-A. GRCh37 (hg19) VCF-style: chr14-89629001-C-A.
Other names: c.1230G>T, p.Gly410= (NM_001085471.2).
Identifiers: ClinVar variation 2644444 (VCV002644444.24), dbSNP rs45535535, ClinGen allele CA7302878.
Genomic context (GRCh38, chr14:89,162,657, plus strand): 5'-GACCTTCCTGGCCTTGGCGAAGTGCTGGCGCTTCTTGTGCTGGGATGCGTACCCGCTGTC[C>A]CCCAGAGAATCCTTGGGCTCCTTCTGGCTGTGCTTCCTGTCGTCCTCTTCCGTGTCGCTG-3'
Protein context (NP_005188.2, residues 378-398): HSQKEPKDSL[Gly388=]DSGYASQHKK